The following is an entry in ClinVar:

NM_005334.3(HCFC1):c.2590G>A (p.Ala864Thr)

Gene: HCFC1 (host cell factor C1; minus strand). Cytogenetic location: Xq28.
Variant type: single nucleotide variant.
Coding change: c.2590G>A on transcript NM_005334.3 (MANE Select); coding-DNA position 2590, G replaced by A.
Protein change: p.Ala864Thr; replaces alanine 864 with threonine.
Molecular consequence: missense variant.
Genome position (GRCh38, 1-based): chrX:153,956,670, C>T on the plus strand (G>A on the coding strand, the complement: HCFC1 is on the minus strand). VCF-style: chrX-153956670-C-T. GRCh37 (hg19) VCF-style: chrX-153222121-C-T.
Other names: short protein forms A864T.
Identifiers: ClinVar variation 194519 (VCV000194519.25), dbSNP rs190023981, ClinGen allele CA201214.

ClinVar aggregate classification (germline): Benign/Likely benign. Review status: criteria provided, multiple submitters, no conflicts (2 of 4 stars). 8 submissions from 8 submitters: Benign (1); Likely benign (3). 4 of the submissions do not count toward it. Last evaluated 2026-01-19.

Conditions:
Methylmalonic acidemia with homocystinuria, type cblX (MAHCX). Also called: INTELLECTUAL DEVELOPMENTAL DISORDER, X-LINKED 3. Identifiers: Orphanet 369962, MedGen C0796208, MONDO:0010657, OMIM 309541.
HCFC1-related disorder. Also called: HCFC1-related condition.

Allele frequency attached by ClinVar (database versions not stated): ExAC 0.00062; TOPMed 0.00068; gnomAD exomes 0.00072 and 0.00167; gnomAD 0.00073 and 0.00075; ESP Exome Variant Server 0.00078; 1000 Genomes Project 0.00079; 1000 Genomes Project 30x 0.00083.
gnomAD v4.1: 1,900 of 1,210,086 alleles (0.16%); highest among the groups gnomAD compares: Non-Finnish European, 0.2%; 3 homozygotes.

Submissions (8):

Labcorp Genetics (formerly Invitae), Labcorp
Classification: Benign for Methylmalonic acidemia with homocystinuria, type cblX. Last evaluated: 2026-01-19. Review status: criteria provided, single submitter. Criteria: Invitae Variant Classification Sherloc (09022015). Collection method: clinical testing. Allele origin: germline.

GeneDx
Classification: Likely benign. Last evaluated: 2019-02-25. Review status: criteria provided, single submitter. Criteria: GeneDx Variant Classification Process June 2021. Collection method: clinical testing. Allele origin: germline. Affected: yes.
Comment: This variant is associated with the following publications: (PMID: 25595573, 26893841)

Genetic Services Laboratory, University of Chicago
Classification: Likely benign. Last evaluated: 2016-01-20. Review status: criteria provided, single submitter. Criteria: ACMG Guidelines, 2015. Collection method: clinical testing. Allele origin: germline. Affected: no.

Eurofins Ntd Llc (ga)
Classification: Likely benign. Last evaluated: 2015-02-13. Review status: criteria provided, single submitter. Criteria: EGL Classification Definitions 2015. Collection method: clinical testing. Allele origin: germline. Observed: 2 variant alleles, 1 heterozygote, 1 hemizygote.

PreventionGenetics, part of Exact Sciences
Classification: Likely benign for HCFC1-related condition. Last evaluated: 2021-01-14. Review status: no assertion criteria provided. Collection method: clinical testing. Allele origin: germline. Not counted in ClinVar's aggregate classification.
Comment: This variant is classified as likely benign based on ACMG/AMP sequence variant interpretation guidelines (Richards et al. 2015 PMID: 25741868, with internal and published modifications).

Clinical Genetics DNA and cytogenetics Diagnostics Lab, Erasmus MC, Erasmus Medical Center
Classification: Benign. Review status: no assertion criteria provided. Collection method: clinical testing. Allele origin: germline. Affected: yes. Study: VKGL Data-share Consensus. Not counted in ClinVar's aggregate classification.

Diagnostic Laboratory, Department of Genetics, University Medical Center Groningen
Classification: Likely benign for Methylmalonic acidemia with homocystinuria, type cblX. Review status: no assertion criteria provided. Collection method: clinical testing. Allele origin: germline. Affected: yes. Study: VKGL Data-share Consensus. Not counted in ClinVar's aggregate classification.

Genome Diagnostics Laboratory, University Medical Center Utrecht
Classification: Likely benign. Review status: no assertion criteria provided. Collection method: clinical testing. Allele origin: germline. Affected: yes. Study: VKGL Data-share Consensus. Not counted in ClinVar's aggregate classification.